The following is an entry in ClinVar:

NM_015102.5(NPHP4):c.1482G>A (p.Gln494=)

Gene: NPHP4 (nephrocystin 4; minus strand). Cytogenetic location: 1p36.31.
Variant type: single nucleotide variant.
Coding change: c.1482G>A on transcript NM_015102.5 (MANE Select); coding-DNA position 1482, G replaced by A.
Protein change: p.Gln494=; no amino-acid change (glutamine 494 retained).
Molecular consequence: synonymous variant. On other transcripts: non-coding transcript variant (1), intron variant (2).
Genome position (GRCh38, 1-based): chr1:5,909,173, C>T on the plus strand (G>A on the coding strand, the complement: NPHP4 is on the minus strand). VCF-style: chr1-5909173-C-T. GRCh37 (hg19) VCF-style: chr1-5969233-C-T.
Other names: p.Gln494=; c.76-3390G>A (NM_001291594.2); c.76-3393G>A (NM_001291593.2).
Identifiers: ClinVar variation 215517 (VCV000215517.19), dbSNP rs199557439, ClinGen allele CA336982.

ClinVar aggregate classification (germline): Conflicting classifications of pathogenicity. Review status: criteria provided, conflicting classifications (1 of 4 stars). 5 submissions from 5 submitters: Uncertain significance (1); Benign (1); Likely benign (2). 1 of the submissions does not count toward it. Last evaluated 2025-12-23.

Conditions:
NPHP4-related disorder. Also called: NPHP4-related condition; NPHP4-related disorders. Identifiers: MedGen CN239384.
Nephronophthisis. Also called: Juvenile Nephronophthisis. Identifiers: Orphanet 655, MedGen C0687120, MONDO:0019005, HP:0000090.

Allele frequency attached by ClinVar (database versions not stated): gnomAD exomes 0.00005 and 0.00011; ExAC 0.00028; ESP Exome Variant Server 0.00058; 1000 Genomes Project 0.00060; gnomAD 0.00060 and 0.00064; 1000 Genomes Project 30x 0.00062; TOPMed 0.00063.
gnomAD v4.1: 160 of 1,602,526 alleles (0.01%); highest among the groups gnomAD compares: African/African-American, 0.19%; no homozygotes.

Submissions (5):

Labcorp Genetics (formerly Invitae), Labcorp
Classification: Benign for Nephronophthisis. Last evaluated: 2025-12-23. Review status: criteria provided, single submitter. Criteria: Invitae Variant Classification Sherloc (09022015). Collection method: clinical testing. Allele origin: germline.

Mayo Clinic Laboratories, Mayo Clinic
Classification: Likely benign. Last evaluated: 2025-08-27. Review status: criteria provided, single submitter. Criteria: ACMG Guidelines, 2015. Collection method: clinical testing. Allele origin: germline. Observed: 2 variant alleles.
Comment: BS1, BP4, BP7

Blueprint Genetics
Classification: Likely benign. Last evaluated: 2024-02-12. Review status: criteria provided, single submitter. Criteria: ACMG Guidelines, 2015. Collection method: clinical testing. Allele origin: germline.

Eurofins Ntd Llc (ga)
Classification: Uncertain significance. Last evaluated: 2017-10-18. Review status: criteria provided, single submitter. Criteria: EGL Classification Definitions 2015. Collection method: clinical testing. Allele origin: germline. Observed: 2 variant alleles, 2 heterozygotes.

PreventionGenetics, part of Exact Sciences
Classification: Likely benign for NPHP4-related condition. Last evaluated: 2019-10-25. Review status: no assertion criteria provided. Collection method: clinical testing. Allele origin: germline. Not counted in ClinVar's aggregate classification.
Comment: This variant is classified as likely benign based on ACMG/AMP sequence variant interpretation guidelines (Richards et al. 2015 PMID: 25741868, with internal and published modifications).